The following is an entry in ClinVar:

NM_015072.5(TTLL5):c.1903A>G (p.Met635Val)

Gene: TTLL5 (tubulin tyrosine ligase like 5; plus strand). Cytogenetic location: 14q24.3.
Variant type: single nucleotide variant.
Coding change: c.1903A>G on transcript NM_015072.5 (MANE Select); coding-DNA position 1903, A replaced by G.
Protein change: p.Met635Val; replaces methionine 635 with valine.
Molecular consequence: missense variant.
Genome position (GRCh38, 1-based): chr14:75,766,256, A>G. VCF-style: chr14-75766256-A-G. GRCh37 (hg19) VCF-style: chr14-76232599-A-G.
Other names: c.1903A>G (NM_015072.4); short protein forms M635V.
Identifiers: ClinVar variation 1002941 (VCV001002941.7), dbSNP rs145086453, ClinGen allele CA7279551.

ClinVar aggregate classification (germline): Uncertain significance. Review status: criteria provided, multiple submitters, no conflicts (2 of 4 stars). 2 submissions from 2 submitters: Uncertain significance (2). Last evaluated 2025-10-22.

Conditions:
Inborn genetic diseases. Identifiers: MedGen C0950123, MeSH D030342.

Allele frequency attached by ClinVar (database versions not stated): gnomAD exomes 0.00004; ExAC 0.00007; TOPMed 0.00011; gnomAD 0.00013 and 0.00014; ESP Exome Variant Server 0.00015.
gnomAD v4.1: 85 of 1,613,990 alleles (0.0053%); highest among the groups gnomAD compares: African/African-American, 0.023%; no homozygotes.

Submissions (2):

Labcorp Genetics (formerly Invitae), Labcorp
Classification: Uncertain significance. Last evaluated: 2025-10-22. Review status: criteria provided, single submitter. Criteria: Invitae Variant Classification Sherloc (09022015). Collection method: clinical testing. Allele origin: germline.
Comment: This sequence change replaces methionine, which is neutral and non-polar, with valine, which is neutral and non-polar, at codon 635 of the TTLL5 protein (p.Met635Val). This variant is present in population databases (rs145086453, gnomAD 0.05%). This variant has not been reported in the literature in individuals affected with TTLL5-related conditions. ClinVar contains an entry for this variant (Variation ID: 1002941). Invitae Evidence Modeling of protein sequence and biophysical properties (such as structural, functional, and spatial information, amino acid conservation, physicochemical variation, residue mobility, and thermodynamic stability) indicates that this missense variant is not expected to disrupt TTLL5 protein function with a negative predictive value of 80%. In summary, the available evidence is currently insufficient to determine the role of this variant in disease. Therefore, it has been classified as a Variant of Uncertain Significance.

Ambry Genetics
Classification: Uncertain significance for Inborn genetic diseases. Last evaluated: 2023-12-08. Review status: criteria provided, single submitter. Criteria: Ambry Variant Classification Scheme 2023. Collection method: clinical testing. Allele origin: germline.